The following is an entry in ClinVar:

NM_003072.5(SMARCA4):c.3218T>C (p.Leu1073Pro)

Gene: SMARCA4 (SWI/SNF related BAF chromatin remodeling complex subunit ATPase 4; plus strand). Cytogenetic location: 19p13.2.
Variant type: single nucleotide variant.
Coding change: c.3218T>C on transcript NM_003072.5 (MANE Select); coding-DNA position 3218, T replaced by C.
Protein change: p.Leu1073Pro; replaces leucine 1073 with proline.
Molecular consequence: missense variant. On other transcripts: non-coding transcript variant (1).
Genome position (GRCh38, 1-based): chr19:11,027,786, T>C. VCF-style: chr19-11027786-T-C. GRCh37 (hg19) VCF-style: chr19-11138462-T-C.
Other names: c.3218T>C, p.Leu1073Pro (NM_001128844.3, NM_001128845.2, NM_001128846.2 and 6 more transcripts); short protein forms L1073P.
Identifiers: ClinVar variation 3958440 (VCV003958440.1).

ClinVar aggregate classification (germline): Uncertain significance (1 of 4 stars; one submission).

Conditions:
Hereditary cancer-predisposing syndrome. Also called: Tumor predisposition; Hereditary neoplastic syndrome; Hereditary Cancer Syndrome; Neoplastic Syndromes, Hereditary. Identifiers: Orphanet 140162, MedGen C0027672, MeSH D009386, MONDO:0015356.

Submission:

Ambry Genetics
Classification: Uncertain significance for Hereditary cancer-predisposing syndrome. Last evaluated: 2025-04-16. Review status: criteria provided, single submitter. Criteria: Ambry Variant Classification Scheme 2023. Collection method: clinical testing. Allele origin: germline.
Comment: The p.L1073P variant (also known as c.3218T>C), located in coding exon 23 of the SMARCA4 gene, results from a T to C substitution at nucleotide position 3218. The leucine at codon 1073 is replaced by proline, an amino acid with similar properties. This amino acid position is conserved. In addition, this alteration is predicted to be tolerated by in silico analysis. Based on the available evidence, the clinical significance of this variant remains unclear.